The following is an entry in ClinVar:

NM_025114.4(CEP290):c.4186C>T (p.Gln1396Ter)

Gene: CEP290 (centrosomal protein 290; minus strand). Cytogenetic location: 12q21.32.
Variant type: single nucleotide variant.
Coding change: c.4186C>T on transcript NM_025114.4 (MANE Select); coding-DNA position 4186, C replaced by T.
Protein change: p.Gln1396Ter; replaces glutamine 1396 with a stop codon.
Molecular consequence: nonsense.
Genome position (GRCh38, 1-based): chr12:88,087,788, G>A on the plus strand (C>T on the coding strand, the complement: CEP290 is on the minus strand). VCF-style: chr12-88087788-G-A. GRCh37 (hg19) VCF-style: chr12-88481565-G-A.
Other names: short protein forms Q1396*.
Identifiers: ClinVar variation 643269 (VCV000643269.8), dbSNP rs1459653241, ClinGen allele CA385998850.

ClinVar aggregate classification (germline): Pathogenic. Review status: criteria provided, multiple submitters, no conflicts (2 of 4 stars). 2 submissions from 2 submitters: Pathogenic (2). Last evaluated 2024-06-22.

Conditions:
CEP290-related ciliopathy. Also called: CEP290 ciliopathy. Identifiers: MedGen CN305601, MONDO:0100451.
Meckel-Gruber syndrome. Also called: DYSENCEPHALIA SPLANCHNOCYSTICA; GRUBER SYNDROME; Dysencephalia splachnocystica. Identifiers: Orphanet 564, MedGen C0265215, MONDO:0018921.
Joubert syndrome. Also called: JOUBERT-BOLTSHAUSER SYNDROME; Familial aplasia of the vermis. Identifiers: Orphanet 475, MedGen C5979921, MONDO:0018772.
Nephronophthisis. Also called: Juvenile Nephronophthisis. Identifiers: Orphanet 655, MedGen C0687120, MONDO:0019005, HP:0000090.

Submissions (2):

Myriad Genetics, Inc.
Classification: Pathogenic for CEP290-related ciliopathy. Last evaluated: 2024-06-22. Review status: criteria provided, single submitter. Criteria: Myriad Autosomal Dominant, Autosomal Recessive and X-Linked Classification Criteria (2023). Collection method: clinical testing. Allele origin: unknown.
Comment: NM_025114.3(CEP290):c.4186C>T(Q1396*) is expected to be pathogenic in the context of CEP290-related disorders. This variant is predicted to lead to an abnormal or absent protein product due to the creation of a premature termination codon in CEP290, a gene where loss-of-function variants are known to be pathogenic. Please note: this variant was assessed in the context of healthy population screening.

Labcorp Genetics (formerly Invitae), Labcorp
Classification: Pathogenic for Joubert syndrome; Meckel-Gruber syndrome; Nephronophthisis. Last evaluated: 2024-02-06. Review status: criteria provided, single submitter. Criteria: Invitae Variant Classification Sherloc (09022015). Collection method: clinical testing. Allele origin: germline.
Comment: This sequence change creates a premature translational stop signal (p.Gln1396*) in the CEP290 gene. It is expected to result in an absent or disrupted protein product. Loss-of-function variants in CEP290 are known to be pathogenic (PMID: 16909394, 17345604, 20690115). This variant is not present in population databases (gnomAD no frequency). This variant has not been reported in the literature in individuals affected with CEP290-related conditions. ClinVar contains an entry for this variant (Variation ID: 643269). Algorithms developed to predict the effect of sequence changes on RNA splicing suggest that this variant may disrupt the consensus splice site. For these reasons, this variant has been classified as Pathogenic.

Literature cited by the submitters: PubMed 16909394 (cited by Labcorp Genetics (formerly Invitae), Labcorp); PubMed 17345604 (cited by Labcorp Genetics (formerly Invitae), Labcorp); PubMed 20690115 (cited by Labcorp Genetics (formerly Invitae), Labcorp).